The following is an entry in ClinVar:

NM_170784.3(MKKS):c.1526A>G (p.Asn509Ser)

Gene: MKKS (MKKS centrosomal shuttling protein; minus strand). Cytogenetic location: 20p12.2.
Variant type: single nucleotide variant.
Coding change: c.1526A>G on transcript NM_170784.3 (MANE Select); coding-DNA position 1526, A replaced by G.
Protein change: p.Asn509Ser; replaces asparagine 509 with serine.
Molecular consequence: missense variant. On other transcripts: non-coding transcript variant (1).
Genome position (GRCh38, 1-based): chr20:10,405,434, T>C on the plus strand (A>G on the coding strand, the complement: MKKS is on the minus strand). VCF-style: chr20-10405434-T-C. GRCh37 (hg19) VCF-style: chr20-10386082-T-C.
Other names: c.1526A>G, p.Asn509Ser (NM_018848.3); short protein forms N509S.
Identifiers: ClinVar variation 3217854 (VCV003217854.3), dbSNP rs746635539, ClinGen allele CA9763462.
Genomic context (GRCh38, chr20:10,405,434, plus strand): 5'-TCATGTGGAAGGCAGCTTTGTGGCACAAATGGACGACGTGTGCTTCTTAAGAAAGACCAG[T>C]TGAGTTCTTCCTGGCTATTGTATAATCCACAGCCACACTGTGAAAGCAAATCTGGCCAGT-3'
Protein context (NP_740754.1, residues 499-519): CGLYNSQEEL[Asn509Ser]WSFLRSTRRP

ClinVar aggregate classification (germline): Conflicting classifications of pathogenicity. Review status: criteria provided, conflicting classifications (1 of 4 stars). 2 submissions from 2 submitters: Uncertain significance (1); Likely benign (1). Last evaluated 2026-02-02.

Conditions:
MKKS-related disorder. Also called: MKKS-related disorders; MKKS-related condition.
Inborn genetic diseases. Identifiers: MedGen C0950123, MeSH D030342.

Allele frequency attached by ClinVar (database versions not stated): ExAC 0.00001; gnomAD 0.00001; gnomAD exomes 0.00001; TOPMed 0.00002.
gnomAD v4.1: 10 of 1,614,104 alleles (0.00062%); highest among the groups gnomAD compares: East Asian, 0.0022%; no homozygotes.

Submissions (2):

PreventionGenetics, part of Exact Sciences
Classification: Uncertain significance for MKKS-related condition. Last evaluated: 2026-02-02. Review status: criteria provided, single submitter. Criteria: ACMG Guidelines, 2015. Collection method: clinical testing. Allele origin: germline.
Comment: The MKKS c.1526A>G variant is predicted to result in the amino acid substitution p.Asn509Ser. To our knowledge, this variant has not been reported in the literature. This variant is reported in 0.0018% of alleles in individuals of European (non-Finnish) descent in gnomAD. At this time, the clinical significance of this variant is uncertain due to the absence of conclusive functional and genetic evidence.

Ambry Genetics
Classification: Likely benign for Inborn genetic diseases. Last evaluated: 2023-10-02. Review status: criteria provided, single submitter. Criteria: Ambry Variant Classification Scheme 2023. Collection method: clinical testing. Allele origin: germline.